The following is an entry in ClinVar:

NM_007294.4(BRCA1):c.5332+5G>T

Gene: BRCA1 (BRCA1 DNA repair associated; minus strand). Cytogenetic location: 17q21.31.
Variant type: single nucleotide variant.
Coding change: c.5332+5G>T on transcript NM_007294.4 (MANE Select); 5 bases into the intron after coding-DNA position 5332, G replaced by T.
Molecular consequence: intron variant.
Genome position (GRCh38, 1-based): chr17:43,051,058, C>A on the plus strand (G>T on the coding strand, the complement: BRCA1 is on the minus strand). VCF-style: chr17-43051058-C-A. GRCh37 (hg19) VCF-style: chr17-41203075-C-A.
Other names: c.1879+5G>T (NM_001408461.1, NM_001408464.1, NM_001408467.1 and 7 more transcripts); c.5188+5G>T (NM_001407738.1, NM_001407742.1, NM_001407945.1 and 21 more transcripts); c.5122+5G>T (NM_001407886.1, NM_001407881.1, NM_001407887.1 and 5 more transcripts); c.5203+5G>T (NM_001407686.1, NM_001407685.1, NM_001407688.1 and 6 more transcripts); c.2017+5G>T (NM_001408397.1, NM_001408401.1, NM_001408396.1 and 8 more transcripts); c.5326+5G>T (NM_001407632.1, NM_001407627.1, NM_001407861.1 and 14 more transcripts); c.5329+5G>T (NM_001407613.1, NM_001407618.1, NM_001407614.1 and 17 more transcripts); c.1897+5G>T (NM_001408436.1, NM_001408435.1, NM_001408444.1 and 10 more transcripts); and 74 more.
Identifiers: ClinVar variation 865321 (VCV000865321.3), dbSNP rs1555575663, ClinGen allele CA916081021.

Conditions:
Breast-ovarian cancer, familial, susceptibility to, 1 (BROVCA1). Also called: BRCA1 Hereditary Breast and Ovarian Cancer; OVARIAN CANCER, SUSCEPTIBILITY TO. Identifiers: Orphanet 145, MedGen C2676676, MONDO:0011450, OMIM 604370. Disease mechanism: loss of function.

Submission:

Brotman Baty Institute, University of Washington
No classification provided (evidence only). Condition: Breast-ovarian cancer, familial 1. Review status: no classification provided. Collection method: in vitro. Allele origin: not applicable. Functional consequence: function_uncertain_variant.
ClinVar note: "not provided" was previously submitted as the classification for the variant. However, the classification appeared to be based only on an observation of functional data so it was converted to no classification on 2025-07-30.